The following is an entry in ClinVar:

ClinVar aggregate classification (germline): Uncertain significance (1 of 4 stars; one submission).

Submission:

Dasa
Classification: Uncertain significance. Last evaluated: 2026-02-20. Review status: criteria provided, single submitter. Criteria: DASA Assertion Criteria. Collection method: clinical testing. Allele origin: germline.
Comment: NM_003107.3(SOX4):c.1100C>T (p.Ala367Val) is a missense variant that results in the substitution of alanine with valine. This variant is rare in population databases. The currently available literature and clinical evidence are not sufficient to establish a definitive association between this variant and the reported condition. Therefore, this variant is classified as a variant of uncertain significance.

NM_003107.3(SOX4):c.1100C>T (p.Ala367Val)

Gene: SOX4 (SRY-box transcription factor 4; plus strand). Cytogenetic location: 6p22.3.
Variant type: single nucleotide variant.
Coding change: c.1100C>T on transcript NM_003107.3 (MANE Select); coding-DNA position 1100, C replaced by T.
Protein change: p.Ala367Val; replaces alanine 367 with valine.
Molecular consequence: missense variant.
Genome position (GRCh38, 1-based): chr6:21,595,634, C>T. VCF-style: chr6-21595634-C-T. GRCh37 (hg19) VCF-style: chr6-21595865-C-T.
Other names: short protein forms A367V.
Identifiers: ClinVar variation 4884977 (VCV004884977.2).